The following is an entry in ClinVar:

NM_001242.5(CD27):c.239dup (p.His80fs)

Genes: CD27 (CD27 molecule; plus strand), CD27-AS1 (CD27 antisense RNA 1; minus strand). Cytogenetic location: 12p13.31.
Variant type: Duplication.
Coding change: c.239dup on transcript NM_001242.5 (MANE Select); coding-DNA position 239, one base duplicated (A; older notation c.239dupA).
Protein change: p.His80fs; shifts the reading frame from histidine 80.
Molecular consequence: frameshift variant.
Genome position (GRCh38, 1-based): chr12:6,445,526, A duplicated. VCF-style (leftmost placement, unchanged base first): chr12-6445525-C-CA. GRCh37 (hg19) VCF-style: chr12-6554691-C-CA.
Other names: c.239dupA (NM_001242.4); short protein forms H80fs.
Identifiers: ClinVar variation 578414 (VCV000578414.10), dbSNP rs748418658, ClinGen allele CA6406910.

ClinVar aggregate classification (germline): Pathogenic/Likely pathogenic. Review status: criteria provided, multiple submitters, no conflicts (2 of 4 stars). 2 submissions from 2 submitters: Pathogenic (1); Likely pathogenic (1). Last evaluated 2026-01-05.

Conditions:
CD27-related disorder. Also called: CD27-related condition.
Lymphoproliferative syndrome 2 (LPFS2). Also called: Combined immunodeficiency due to CD27 deficiency; CD27 DEFICIENCY. Identifiers: Orphanet 238505, MedGen C3554540, MONDO:0014054, OMIM 615122.

Allele frequency attached by ClinVar (database versions not stated): ExAC 0.00001; gnomAD 0.00001; gnomAD exomes 0.00001 and 0.00002; TOPMed 0.00002.

Submissions (2):

Labcorp Genetics (formerly Invitae), Labcorp
Classification: Pathogenic for Lymphoproliferative syndrome 2. Last evaluated: 2026-01-05. Review status: criteria provided, single submitter. Criteria: Invitae Variant Classification Sherloc (09022015). Collection method: clinical testing. Allele origin: germline.
Comment: This sequence change creates a premature translational stop signal (p.His80Glnfs*3) in the CD27 gene. It is expected to result in an absent or disrupted protein product. Loss-of-function variants in CD27 are known to be pathogenic (PMID: 25843314). This variant is present in population databases (rs748418658, gnomAD 0.004%). This variant has not been reported in the literature in individuals affected with CD27-related conditions. ClinVar contains an entry for this variant (Variation ID: 578414). For these reasons, this variant has been classified as Pathogenic.

Blueprint Genetics
Classification: Likely pathogenic for CD27-related disorders. Last evaluated: 2023-12-14. Review status: criteria provided, single submitter. Criteria: ACMG Guidelines, 2015. Collection method: clinical testing. Allele origin: germline. Affected: yes. Observed: 5 variant alleles.

Literature cited by the submitters: PubMed 25843314 (cited by Labcorp Genetics (formerly Invitae), Labcorp).